The following is an entry in ClinVar:

NM_182961.4(SYNE1):c.7029G>T (p.Lys2343Asn)

Gene: SYNE1 (spectrin repeat containing nuclear envelope protein 1; minus strand). Cytogenetic location: 6q25.2.
Variant type: single nucleotide variant.
Coding change: c.7029G>T on transcript NM_182961.4 (MANE Select); coding-DNA position 7029, G replaced by T.
Protein change: p.Lys2343Asn; replaces lysine 2343 with asparagine.
Molecular consequence: missense variant.
Genome position (GRCh38, 1-based): chr6:152,401,138, C>A on the plus strand (G>T on the coding strand, the complement: SYNE1 is on the minus strand). VCF-style: chr6-152401138-C-A. GRCh37 (hg19) VCF-style: chr6-152722273-C-A.
Other names: c.7050G>T, p.Lys2350Asn (NM_033071.5); short protein forms K2343N, K2350N.
Identifiers: ClinVar variation 3762755 (VCV003762755.2).
Genomic context (GRCh38, chr6:152,401,138, plus strand): 5'-ACAAAACAGAACTACAATCACCATTTGAATGGAAGCACTTAATGATAGTTTATTACCTAC[C>A]TTGACTTTTTTCAATGCTTCACAAGTCTCATTTTGGGCACAGTTCATCAACGATTCTTCC-3'
Protein context (NP_892006.3, residues 2333-2353): NETCEALKKV[Lys2343Asn]DIQKELQSQQ

ClinVar aggregate classification (germline): Uncertain significance (1 of 4 stars; one submission).

Conditions:
Emery-Dreifuss muscular dystrophy 4, autosomal dominant (EDMD4). Also called: EMERY-DREIFUSS MUSCULAR DYSTROPHY 4 WITH VARIABLE FEATURES. Identifiers: Orphanet 261, MedGen C2751807, MONDO:0013071, OMIM 612998.
Autosomal recessive ataxia, Beauce type. Also called: SYNE1 Deficiency; Spinocerebellar ataxia, autosomal recessive 8; ATAXIA, RECESSIVE, OF BEAUCE; SYNE1-Related Autosomal Recessive Cerebellar Ataxia. Identifiers: Orphanet 88644, MedGen C1853116, MONDO:0012549, OMIM 610743.

gnomAD v4.1: 3 of 1,613,876 alleles (0.00019%); highest among the groups gnomAD compares: African/African-American, 0.004%; no homozygotes.

Submission:

Labcorp Genetics (formerly Invitae), Labcorp
Classification: Uncertain significance for Emery-Dreifuss muscular dystrophy 4, autosomal dominant; Autosomal recessive ataxia, Beauce type. Last evaluated: 2024-07-16. Review status: criteria provided, single submitter. Criteria: Invitae Variant Classification Sherloc (09022015). Collection method: clinical testing. Allele origin: germline.
Comment: This sequence change replaces lysine, which is basic and polar, with asparagine, which is neutral and polar, at codon 2350 of the SYNE1 protein (p.Lys2350Asn). This variant also falls at the last nucleotide of exon 47, which is part of the consensus splice site for this exon. This variant is not present in population databases (gnomAD no frequency). This variant has not been reported in the literature in individuals affected with SYNE1-related conditions. An algorithm developed to predict the effect of missense changes on protein structure and function (PolyPhen-2) suggests that this variant is likely to be disruptive. Variants that disrupt the consensus splice site are a relatively common cause of aberrant splicing (PMID: 17576681, 9536098). Algorithms developed to predict the effect of sequence changes on RNA splicing suggest that this variant may create or strengthen a splice site. In summary, the available evidence is currently insufficient to determine the role of this variant in disease. Therefore, it has been classified as a Variant of Uncertain Significance.

Literature cited by the submitters: PubMed 17576681; PubMed 9536098.